The following is an entry in ClinVar:

ClinVar aggregate classification (germline): Pathogenic/Likely pathogenic. Review status: criteria provided, multiple submitters, no conflicts (2 of 4 stars). 5 submissions from 5 submitters: Pathogenic (1); Likely pathogenic (4). Last evaluated 2024-03-26.

Conditions:
Lysinuric protein intolerance (LPI). Identifiers: Orphanet 470, MedGen C0268647, MONDO:0009109, OMIM 222700.

Allele frequency attached by ClinVar (database versions not stated): TOPMed below 0.00001; gnomAD 0.00001; gnomAD exomes 0.00003.

Submissions (5):

Natera, Inc.
Classification: Likely pathogenic for Lysinuric protein intolerance. Last evaluated: 2024-03-26. Review status: criteria provided, single submitter. Criteria: Natera Variant Classification Schema (03/2026). Collection method: clinical testing. Allele origin: germline.
Comment: The c.1244_1245insTTAC variant in SLC7A7 is a frameshift variant predicted to shift the reading frame beginning at codon 415 and leads to a stop codon 26 codons downstream. This variant is expected to result in nonsense mediated decay, truncation, or a dysfunctional protein product. This variant is rare in the general population with a frequency below the threshold expected for the associated phenotype(s). Given the available evidence, this variant is classified as Likely Pathogenic.

Labcorp Genetics (formerly Invitae), Labcorp
Classification: Pathogenic for Lysinuric protein intolerance. Last evaluated: 2024-02-07. Review status: criteria provided, single submitter. Criteria: Invitae Variant Classification Sherloc (09022015). Collection method: clinical testing. Allele origin: germline.
Comment: This sequence change creates a premature translational stop signal (p.Lys415Asnfs*26) in the SLC7A7 gene. It is expected to result in an absent or disrupted protein product. Loss-of-function variants in SLC7A7 are known to be pathogenic (PMID: 10631139, 17764084). This variant is present in population databases (rs752263234, gnomAD 0.007%). This variant has not been reported in the literature in individuals affected with SLC7A7-related conditions. ClinVar contains an entry for this variant (Variation ID: 953573). For these reasons, this variant has been classified as Pathogenic.

Department of Pathology and Laboratory Medicine, Sinai Health System
Classification: Likely pathogenic for Lysinuric protein intolerance. Last evaluated: 2023-09-18. Review status: criteria provided, single submitter. Criteria: ACMG Guidelines, 2015. Collection method: research. Allele origin: germline.

Baylor Genetics
Classification: Likely pathogenic for Lysinuric protein intolerance. Last evaluated: 2023-06-01. Review status: criteria provided, single submitter. Criteria: ACMG Guidelines, 2015. Collection method: clinical testing. Allele origin: unknown.

Fulgent Genetics
Classification: Likely pathogenic for Lysinuric protein intolerance. Last evaluated: 2022-05-05. Review status: criteria provided, single submitter. Criteria: ACMG Guidelines, 2015. Collection method: clinical testing. Allele origin: unknown.

Literature cited by the submitters: PubMed 10631139 (cited by Labcorp Genetics (formerly Invitae), Labcorp); PubMed 17764084 (cited by Labcorp Genetics (formerly Invitae), Labcorp).

NM_003982.4(SLC7A7):c.1244_1245insTTAC (p.Lys415fs)

Gene: SLC7A7 (solute carrier family 7 member 7; minus strand). Cytogenetic location: 14q11.2.
Variant type: Insertion.
Coding change: c.1244_1245insTTAC on transcript NM_003982.4 (MANE Select); coding-DNA positions 1244 to 1245, TTAC inserted.
Protein change: p.Lys415fs; shifts the reading frame from lysine 415.
Molecular consequence: frameshift variant.
Genome position: GRCh38 VCF-style: chr14-22774354-C-CGTAA. GRCh37 (hg19) VCF-style: chr14-23243563-C-CGTAA.
Other names: c.1244_1245insTTAC, p.Lys415fs (NM_001126105.3, NM_001126106.4); short protein forms K415fs.
Identifiers: ClinVar variation 953573 (VCV000953573.11), dbSNP rs752263234, ClinGen allele CA257724065.